The following is an entry in ClinVar:

NM_014244.5(ADAMTS2):c.79_86delinsATCACAGATGTGTATAAGAGACAGT (p.Leu27fs)

Gene: ADAMTS2 (ADAM metallopeptidase with thrombospondin type 1 motif 2; minus strand). Cytogenetic location: 5q35.3.
Variant type: Indel.
Coding change: c.79_86delinsATCACAGATGTGTATAAGAGACAGT on transcript NM_014244.5 (MANE Select); coding-DNA positions 79 to 86, CTCCTGCC replaced by ATCACAGATGTGTATAAGAGACAGT.
Protein change: p.Leu27fs; shifts the reading frame from leucine 27.
Molecular consequence: frameshift variant.
Genome position (GRCh38, 1-based): chr5:179,345,243-179,345,250, GGCAGGAG replaced by ACTGTCTCTTATACACATCTGTGAT on the plus strand (CTCCTGCC replaced by ATCACAGATGTGTATAAGAGACAGT on the coding strand, the reverse complement: ADAMTS2 is on the minus strand). GRCh37 (hg19): chr5:178,772,244-178,772,251.
Other names: c.79_86delinsATCACAGATGTGTATAAGAGACAGT, p.Leu27fs (NM_021599.4); short protein forms L27fs.
Identifiers: ClinVar variation 5016354 (VCV005016354.1).

ClinVar aggregate classification (germline): Pathogenic (1 of 4 stars; one submission).

Conditions:
Ehlers-Danlos syndrome, dermatosparaxis type. Also called: EDS VIIC; Dermatosparaxis; Ehlers-Danlos syndrome, type VII, autosomal recessive. Identifiers: Orphanet 1901, MedGen C2700425, MONDO:0009161, OMIM 225410.

Submission:

Myriad Genetics, Inc.
Classification: Pathogenic for Ehlers-Danlos syndrome, dermatosparaxis type. Last evaluated: 2024-05-14. Review status: criteria provided, single submitter. Criteria: Myriad Autosomal Dominant, Autosomal Recessive and X-Linked Classification Criteria (2023). Collection method: clinical testing. Allele origin: unknown.
Comment: NM_014244.4(ADAMTS2):c.79_86del8ins25(L27Ifs*144) is expected to be pathogenic in the context of Ehlers-Danlos syndrome, ADAMTS2-related. This variant is predicted to lead to an abnormal or absent protein product due to the creation of a premature termination codon in ADAMTS2, a gene where loss-of-function variants are known to be pathogenic. Please note: this variant was assessed in the context of healthy population screening.